The following is an entry in ClinVar:

ClinVar aggregate classification (germline): Uncertain significance (1 of 4 stars; one submission).

Conditions:
BBS12-related disorder. Also called: BBS12-related condition.

gnomAD v4.1: 1 of 1,614,246 alleles (0.000062%); highest among the groups gnomAD compares: Non-Finnish European, 0.000085%; no homozygotes.

Submission:

PreventionGenetics, part of Exact Sciences
Classification: Uncertain significance for BBS12-related condition. Last evaluated: 2025-06-29. Review status: criteria provided, single submitter. Criteria: ACMG Guidelines, 2015. Collection method: clinical testing. Allele origin: germline.
Comment: The BBS12 c.782A>G variant is predicted to result in the amino acid substitution p.Lys261Arg. To our knowledge, this variant has not been reported in the literature or in a large population database (gnomAD), indicating this variant is rare. At this time, the clinical significance of this variant is uncertain due to the absence of conclusive functional and genetic evidence.

NM_152618.3(BBS12):c.782A>G (p.Lys261Arg)

Gene: BBS12 (Bardet-Biedl syndrome 12; plus strand). Cytogenetic location: 4q27.
Variant type: single nucleotide variant.
Coding change: c.782A>G on transcript NM_152618.3 (MANE Select); coding-DNA position 782, A replaced by G.
Protein change: p.Lys261Arg; replaces lysine 261 with arginine.
Molecular consequence: missense variant.
Genome position (GRCh38, 1-based): chr4:122,742,674, A>G. VCF-style: chr4-122742674-A-G. GRCh37 (hg19) VCF-style: chr4-123663829-A-G.
Other names: c.782A>G, p.Lys261Arg (NM_001178007.2); short protein forms K261R.
Identifiers: ClinVar variation 5001103 (VCV005001103.1).
Genomic context (GRCh38, chr4:122,742,674, plus strand): 5'-ATAATACTGAAGGGGTAAGCAAACCAGATGGATTTCAAGAACATGTTACAGCTACTCACA[A>G]AACTTACAGATGTAATGATTTGGTAGAGTTGGCAGTAGGCTTGAGTCATGGAGATCACAG-3'
Protein context (NP_689831.2, residues 251-271): GFQEHVTATH[Lys261Arg]TYRCNDLVEL